The following is an entry in ClinVar:

NM_000548.5(TSC2):c.5159del (p.Asn1720fs)

Gene: TSC2 (TSC complex subunit 2; plus strand). Cytogenetic location: 16p13.3.
Variant type: Deletion.
Coding change: c.5159del on transcript NM_000548.5 (MANE Select); coding-DNA position 5159, one base deleted (A; older notation c.5159delA).
Protein change: p.Asn1720fs; shifts the reading frame from asparagine 1720.
Molecular consequence: frameshift variant.
Genome position (GRCh38, 1-based): chr16:2,088,138, A deleted; the last of 3 consecutive A bases (chr16:2,088,136-2,088,138); deleting any one gives the same sequence. VCF-style (leftmost placement, unchanged base first): chr16-2088135-CA-C. GRCh37 (hg19) VCF-style: chr16-2138136-CA-C.
Other names: c.4850del, p.Asn1617fs (NM_001318827.2); c.4814del, p.Asn1605fs (NM_001318829.2); c.4427del, p.Asn1476fs (NM_001318831.2); c.4991del, p.Asn1664fs (NM_001318832.2); c.4961del, p.Asn1654fs (NM_001363528.2); c.5027del, p.Asn1676fs (NM_001370404.1); c.5030del, p.Asn1677fs (NM_001370405.1, NM_021055.3); c.5159delA (NM_000548.3); and 3 more; short protein forms N1476fs, N1617fs, N1654fs, N1664fs, N1720fs, N1653fs, N1605fs, N1676fs.
Identifiers: ClinVar variation 49936 (VCV000049936.3), dbSNP rs137854294, ClinGen allele CA021910.

ClinVar aggregate classification (germline): Likely pathogenic. Review status: criteria provided, single submitter (1 of 4 stars). 2 submissions from 2 submitters: Likely pathogenic (1). 1 of the submissions does not count toward it. Last evaluated 2025-08-12.

Conditions:
Tuberous sclerosis syndrome (TSC). Also called: Tuberous Sclerosis Complex; Tuberous sclerosis. Identifiers: Orphanet 805, MedGen C0041341, MONDO:0001734.

Submissions (2):

GeneDx
Classification: Likely pathogenic. Last evaluated: 2025-08-12. Review status: criteria provided, single submitter. Criteria: GeneDx Variant Classification Process June 2021. Collection method: clinical testing. Allele origin: germline. Affected: yes.
Comment: Frameshift variant predicted to result in abnormal protein length as the last 88 amino acid(s) are replaced with 105 different amino acid(s), and other similar variants have been reported in HGMD; Not observed at significant frequency in large population cohorts (gnomAD); Has not been previously published as pathogenic or benign to our knowledge

Tuberous sclerosis database (TSC2)
No classification provided. Condition: TSC. Review status: no classification provided. Criteria: Tuberous Sclerosis Database Assertion Criteria 2015. Collection method: curation. Allele origin: germline. Affected: yes. Not counted in ClinVar's aggregate classification.